The following is an entry in ClinVar:

ClinVar aggregate classification (germline): Uncertain significance. Review status: criteria provided, single submitter (1 of 4 stars). 2 submissions from 2 submitters: Uncertain significance (1). 1 of the submissions does not count toward it. Last evaluated 2022-07-03.

Conditions:
Autosomal recessive limb-girdle muscular dystrophy type 2B (LGMDR2). Also called: MUSCULAR DYSTROPHY, LIMB-GIRDLE, AUTOSOMAL RECESSIVE 2; Limb-girdle muscular dystrophy, type 2B; MUSCULAR DYSTROPHY, LIMB-GIRDLE, TYPE 3; Limb-Girdle Muscular Dystrophy Type 2B (LGMD2B). Identifiers: Orphanet 268, MedGen C1850889, MONDO:0009676, OMIM 253601.
Neuromuscular disease caused by qualitative or quantitative defects of dysferlin. Also called: Qualitative or quantitative defects of dysferlin; Dysferlinopathy. Identifiers: Orphanet 207073, MedGen C2931687, MONDO:0016145.

Allele frequency attached by ClinVar (database versions not stated): gnomAD exomes 0.00001.
gnomAD v4.1: 18 of 1,550,420 alleles (0.0012%); highest among the groups gnomAD compares: Non-Finnish European, 0.0016%; no homozygotes.

Submissions (2):

Labcorp Genetics (formerly Invitae), Labcorp
Classification: Uncertain significance for Neuromuscular disease caused by qualitative or quantitative defects of dysferlin. Last evaluated: 2022-07-03. Review status: criteria provided, single submitter. Criteria: Invitae Variant Classification Sherloc (09022015). Collection method: clinical testing. Allele origin: germline.
Comment: In summary, the available evidence is currently insufficient to determine the role of this variant in disease. Therefore, it has been classified as a Variant of Uncertain Significance. Advanced modeling of protein sequence and biophysical properties (such as structural, functional, and spatial information, amino acid conservation, physicochemical variation, residue mobility, and thermodynamic stability) performed at Invitae indicates that this missense variant is not expected to disrupt DYSF protein function. This variant has not been reported in the literature in individuals affected with DYSF-related conditions. This variant is not present in population databases (gnomAD no frequency). This sequence change replaces serine, which is neutral and polar, with threonine, which is neutral and polar, at codon 142 of the DYSF protein (p.Ser142Thr).

Natera, Inc.
Classification: Uncertain significance for Limb-girdle muscular dystrophy type 2B. Last evaluated: 2025-03-15. Review status: no assertion criteria provided. Collection method: clinical testing. Allele origin: germline. Not counted in ClinVar's aggregate classification.

NM_001130987.2(DYSF):c.427T>A (p.Ser143Thr)

Gene: DYSF (dysferlin; plus strand). Cytogenetic location: 2p13.2.
Variant type: single nucleotide variant.
Coding change: c.427T>A on transcript NM_001130987.2 (MANE Select); coding-DNA position 427, T replaced by A.
Protein change: p.Ser143Thr; replaces serine 143 with threonine.
Molecular consequence: missense variant.
Genome position (GRCh38, 1-based): chr2:71,511,888, T>A. VCF-style: chr2-71511888-T-A. GRCh37 (hg19) VCF-style: chr2-71739018-T-A.
Other names: c.427T>A, p.Ser143Thr (NM_001130455.2, NM_001130982.2, NM_001130983.2 and 3 more transcripts); c.424T>A, p.Ser142Thr (NM_001130976.2, NM_001130977.2, NM_001130978.2 and 4 more transcripts); c.424T>A (NM_003494.3); short protein forms S142T, S143T.
Identifiers: ClinVar variation 2071181 (VCV002071181.5), dbSNP rs2545377355, ClinGen allele CA347205527.